The following is an entry in ClinVar:

ClinVar aggregate classification (germline): Uncertain significance (1 of 4 stars; one submission).

Allele frequency attached by ClinVar (database versions not stated): gnomAD exomes below 0.00001; TOPMed below 0.00001; gnomAD 0.00001.
gnomAD v4.1: 5 of 1,613,918 alleles (0.00031%); highest among the groups gnomAD compares: African/African-American, 0.0013%; no homozygotes.

Submission:

Labcorp Genetics (formerly Invitae), Labcorp
Classification: Uncertain significance. Last evaluated: 2022-02-04. Review status: criteria provided, single submitter. Criteria: Invitae Variant Classification Sherloc (09022015). Collection method: clinical testing. Allele origin: germline.
Comment: This variant has not been reported in the literature in individuals affected with SLC24A1-related conditions. This variant is not present in population databases (gnomAD no frequency). This sequence change replaces aspartic acid, which is acidic and polar, with asparagine, which is neutral and polar, at codon 474 of the SLC24A1 protein (p.Asp474Asn). ClinVar contains an entry for this variant (Variation ID: 1042459). In summary, the available evidence is currently insufficient to determine the role of this variant in disease. Therefore, it has been classified as a Variant of Uncertain Significance. Algorithms developed to predict the effect of missense changes on protein structure and function are either unavailable or do not agree on the potential impact of this missense change (SIFT: "Deleterious"; PolyPhen-2: "Probably Damaging"; Align-GVGD: "Class C15").

NM_004727.3(SLC24A1):c.1420G>A (p.Asp474Asn)

Gene: SLC24A1 (solute carrier family 24 member 1; plus strand). Cytogenetic location: 15q22.31.
Variant type: single nucleotide variant.
Coding change: c.1420G>A on transcript NM_004727.3 (MANE Select); coding-DNA position 1420, G replaced by A.
Protein change: p.Asp474Asn; replaces aspartic acid 474 with asparagine.
Molecular consequence: missense variant.
Genome position (GRCh38, 1-based): chr15:65,625,500, G>A. VCF-style: chr15-65625500-G-A. GRCh37 (hg19) VCF-style: chr15-65917838-G-A.
Other names: c.1420G>A, p.Asp474Asn (NM_001301031.1, NM_001301032.1, NM_001301033.2); short protein forms D474N.
Identifiers: ClinVar variation 1042459 (VCV001042459.8), dbSNP rs2074479114, ClinGen allele CA392917420.
Genomic context (GRCh38, chr15:65,625,500, plus strand): 5'-TGGGTGGTCCTGCACGTTTTTGGCATGATGTATGTGTTTGTGGCCTTGGCCATTGTTTGC[G>A]ACGAGTACTTCGTTCCAGCCCTGGGTGTCATCACAGACAAGCTGCAGATCTCCGAGGATG-3'
Protein context (NP_004718.1, residues 464-484): YVFVALAIVC[Asp474Asn]EYFVPALGVI